The following is an entry in ClinVar:

NM_000492.4(CFTR):c.2113A>G (p.Ile705Val)

Gene: CFTR (CF transmembrane conductance regulator; plus strand). Cytogenetic location: 7q31.2.
Variant type: single nucleotide variant.
Coding change: c.2113A>G on transcript NM_000492.4 (MANE Select); coding-DNA position 2113, A replaced by G.
Protein change: p.Ile705Val; replaces isoleucine 705 with valine.
Molecular consequence: missense variant.
Genome position (GRCh38, 1-based): chr7:117,592,280, A>G. VCF-style: chr7-117592280-A-G. GRCh37 (hg19) VCF-style: chr7-117232334-A-G.
Other names: c.2113A>G (NM_000492.3); short protein forms I705V.
Identifiers: ClinVar variation 1429889 (VCV001429889.6), dbSNP rs745538406, ClinGen allele CA4451143.

ClinVar aggregate classification (germline): Uncertain significance. Review status: criteria provided, multiple submitters, no conflicts (2 of 4 stars). 3 submissions from 3 submitters: Uncertain significance (3). Last evaluated 2023-02-17.

Conditions:
Bronchiectasis with or without elevated sweat chloride 1 (BESC1). Also called: Cystic Fibrosis-Like Syndrome. Identifiers: Orphanet 60033, MedGen C2749757, MONDO:0008887, OMIM 211400.
Hereditary pancreatitis (PCTT). Also called: Hereditary chronic pancreatitis; PRSS1-Related Hereditary Pancreatitis. Identifiers: Orphanet 676, MedGen C0238339, MONDO:0008185, OMIM 167800.
Cystic fibrosis (CF). Also called: MUCOVISCIDOSIS. Identifiers: Orphanet 586, MedGen C0010674, MONDO:0009061, OMIM 219700. Disease mechanism: loss of function.
Congenital bilateral aplasia of vas deferens from CFTR mutation (CBAVD). Identifiers: Orphanet 48, MedGen C0403814, MONDO:0010178, OMIM 277180. Disease mechanism: loss of function.

Allele frequency attached by ClinVar (database versions not stated): ExAC 0.00002; gnomAD exomes 0.00001.
gnomAD v4.1: 10 of 1,614,072 alleles (0.00062%); highest among the groups gnomAD compares: East Asian, 0.0022%; no homozygotes.

Submissions (3):

Ambry Genetics
Classification: Uncertain significance for Cystic fibrosis. Last evaluated: 2023-02-17. Review status: criteria provided, single submitter. Criteria: Ambry Variant Classification Scheme 2023. Collection method: clinical testing. Allele origin: germline.
Comment: The p.I705V variant (also known as c.2113A>G), located in coding exon 14 of the CFTR gene, results from an A to G substitution at nucleotide position 2113. The isoleucine at codon 705 is replaced by valine, an amino acid with highly similar properties. This amino acid position is not well conserved in available vertebrate species. In addition, this alteration is predicted to be tolerated by in silico analysis. Since supporting evidence is limited at this time, the clinical significance of this alteration remains unclear.

Fulgent Genetics
Classification: Uncertain significance for Hereditary pancreatitis; Bronchiectasis with or without elevated sweat chloride 1; Cystic fibrosis; Congenital bilateral aplasia of vas deferens from CFTR mutation. Last evaluated: 2022-02-16. Review status: criteria provided, single submitter. Criteria: ACMG Guidelines, 2015. Collection method: clinical testing. Allele origin: unknown.

Labcorp Genetics (formerly Invitae), Labcorp
Classification: Uncertain significance for Cystic fibrosis. Last evaluated: 2021-09-18. Review status: criteria provided, single submitter. Criteria: Invitae Variant Classification Sherloc (09022015). Collection method: clinical testing. Allele origin: germline.
Comment: This sequence change replaces isoleucine with valine at codon 705 of the CFTR protein (p.Ile705Val). The isoleucine residue is weakly conserved and there is a small physicochemical difference between isoleucine and valine. This variant is present in population databases (rs745538406, ExAC 0.01%). This variant has not been reported in the literature in individuals affected with CFTR-related conditions. Algorithms developed to predict the effect of missense changes on protein structure and function output the following: SIFT: "Tolerated"; PolyPhen-2: "Benign"; Align-GVGD: "Class C0". The valine amino acid residue is found in multiple mammalian species, which suggests that this missense change does not adversely affect protein function. Algorithms developed to predict the effect of sequence changes on RNA splicing suggest that this variant may create or strengthen a splice site. In summary, the available evidence is currently insufficient to determine the role of this variant in disease. Therefore, it has been classified as a Variant of Uncertain Significance.